The following is an entry in ClinVar:

NM_012463.4(ATP6V0A2):c.2329G>A (p.Val777Met)

Gene: ATP6V0A2 (ATPase H+ transporting V0 subunit a2; plus strand). Cytogenetic location: 12q24.31.
Variant type: single nucleotide variant.
Coding change: c.2329G>A on transcript NM_012463.4 (MANE Select); coding-DNA position 2329, G replaced by A.
Protein change: p.Val777Met; replaces valine 777 with methionine.
Molecular consequence: missense variant.
Genome position (GRCh38, 1-based): chr12:123,756,850, G>A. VCF-style: chr12-123756850-G-A. GRCh37 (hg19) VCF-style: chr12-124241397-G-A.
Other names: short protein forms V777M.
Identifiers: ClinVar variation 2199145 (VCV002199145.2), dbSNP rs745384450, ClinGen allele CA6862217.

ClinVar aggregate classification (germline): Uncertain significance (1 of 4 stars; one submission).

Conditions:
ALG9 congenital disorder of glycosylation (CDG1L). Also called: ALG9-CDG; CONGENITAL DISORDER OF GLYCOSYLATION, TYPE Il; CDG Il. Identifiers: Orphanet 79328, MedGen C2931006, MONDO:0012117, OMIM 608776.

Allele frequency attached by ClinVar (database versions not stated): gnomAD 0.00001; TOPMed 0.00002.

Submission:

Labcorp Genetics (formerly Invitae), Labcorp
Classification: Uncertain significance for ALG9 congenital disorder of glycosylation. Last evaluated: 2022-06-14. Review status: criteria provided, single submitter. Criteria: Invitae Variant Classification Sherloc (09022015). Collection method: clinical testing. Allele origin: germline.
Comment: In summary, the available evidence is currently insufficient to determine the role of this variant in disease. Therefore, it has been classified as a Variant of Uncertain Significance. Algorithms developed to predict the effect of missense changes on protein structure and function are either unavailable or do not agree on the potential impact of this missense change (SIFT: "Tolerated"; PolyPhen-2: "Possibly Damaging"; Align-GVGD: "Class C0"). This variant has not been reported in the literature in individuals affected with ATP6V0A2-related conditions. This variant is present in population databases (rs745384450, gnomAD 0.01%), including at least one homozygous and/or hemizygous individual. This sequence change replaces valine, which is neutral and non-polar, with methionine, which is neutral and non-polar, at codon 777 of the ATP6V0A2 protein (p.Val777Met).